The following is an entry in ClinVar:

ClinVar aggregate classification (germline): Uncertain significance. Review status: criteria provided, single submitter (1 of 4 stars). 2 submissions from 2 submitters: Uncertain significance (1). 1 of the submissions does not count toward it. Last evaluated 2022-08-11.

Conditions:
Leber congenital amaurosis (LCA). Also called: Leber's amaurosis. Identifiers: Orphanet 65, MedGen C0339527, MeSH D057130, MONDO:0018998.

Allele frequency attached by ClinVar (database versions not stated): gnomAD exomes below 0.00001; gnomAD 0.00001; TOPMed 0.00002; 1000 Genomes Project 0.00020; ExAC 0.00002; 1000 Genomes Project 30x 0.00016.
gnomAD v4.1: 5 of 1,614,114 alleles (0.00031%); highest among the groups gnomAD compares: East Asian, 0.0022%; no homozygotes.

Submissions (2):

Labcorp Genetics (formerly Invitae), Labcorp
Classification: Uncertain significance. Last evaluated: 2022-08-11. Review status: criteria provided, single submitter. Criteria: Invitae Variant Classification Sherloc (09022015). Collection method: clinical testing. Allele origin: germline.
Comment: This sequence change replaces serine, which is neutral and polar, with proline, which is neutral and non-polar, at codon 25 of the LCA5 protein (p.Ser25Pro). This variant is present in population databases (rs199902236, gnomAD 0.0009%). This variant has not been reported in the literature in individuals affected with LCA5-related conditions. ClinVar contains an entry for this variant (Variation ID: 846236). Algorithms developed to predict the effect of missense changes on protein structure and function (SIFT, PolyPhen-2, Align-GVGD) all suggest that this variant is likely to be tolerated. In summary, the available evidence is currently insufficient to determine the role of this variant in disease. Therefore, it has been classified as a Variant of Uncertain Significance.

Natera, Inc.
Classification: Uncertain significance for Leber congenital amaurosis. Last evaluated: 2020-09-16. Review status: no assertion criteria provided. Collection method: clinical testing. Allele origin: germline. Not counted in ClinVar's aggregate classification.

NM_001122769.3(LCA5):c.73T>C (p.Ser25Pro)

Gene: LCA5 (lebercilin LCA5; minus strand). Cytogenetic location: 6q14.1.
Variant type: single nucleotide variant.
Coding change: c.73T>C on transcript NM_001122769.3 (MANE Select); coding-DNA position 73, T replaced by C.
Protein change: p.Ser25Pro; replaces serine 25 with proline.
Molecular consequence: missense variant.
Genome position (GRCh38, 1-based): chr6:79,518,822, A>G on the plus strand (T>C on the coding strand, the complement: LCA5 is on the minus strand). VCF-style: chr6-79518822-A-G. GRCh37 (hg19) VCF-style: chr6-80228539-A-G.
Other names: c.73T>C, p.Ser25Pro (NM_181714.4); short protein forms S25P.
Identifiers: ClinVar variation 846236 (VCV000846236.6), dbSNP rs199902236, ClinGen allele CA3901220.